The following is an entry in ClinVar:

ClinVar aggregate classification (germline): Likely pathogenic (1 of 4 stars; one submission).

Submission:

Labcorp Genetics (formerly Invitae), Labcorp
Classification: Likely pathogenic. Last evaluated: 2019-07-18. Review status: criteria provided, single submitter. Criteria: Invitae Variant Classification Sherloc (09022015). Collection method: clinical testing. Allele origin: germline.
Comment: In summary, the currently available evidence indicates that the variant is pathogenic, but additional data are needed to prove that conclusively. Therefore, this variant has been classified as Likely Pathogenic. This variant disrupts a region of the protein in which other variant(s) (p.Ser133Cys) have been observed in individuals with NDP-related conditions (PMID: 29633608). This suggests that this may be a clinically significant region of the NDP protein. This variant has been observed in individuals affected with clinical features of familial exudative vitreoretinopathy (PMID: 25711638, Invitae). This variant is not present in population databases (ExAC no frequency). This sequence change results in a premature translational stop signal in the NDP gene (p.Cys131*). While this is not anticipated to result in nonsense mediated decay, it is expected to disrupt the last 3 amino acids of the NDP protein.

Literature cited by the submitters: PubMed 29633608; PubMed 25711638.

NM_000266.4(NDP):c.393C>A (p.Cys131Ter)

Genes: NDP-AS1 (NDP antisense RNA 1; plus strand), NDP (norrin cystine knot growth factor NDP; minus strand). Cytogenetic location: Xp11.3.
Variant type: single nucleotide variant.
Coding change: c.393C>A on transcript NM_000266.4 (MANE Select); coding-DNA position 393, C replaced by A.
Protein change: p.Cys131Ter; replaces cysteine 131 with a stop codon.
Molecular consequence: nonsense. On other transcripts: non-coding transcript variant (1).
Genome position (GRCh38, 1-based): chrX:43,949,808, G>T on the plus strand (C>A on the coding strand, the complement: NDP is on the minus strand). VCF-style: chrX-43949808-G-T. GRCh37 (hg19) VCF-style: chrX-43809054-G-T.
Other names: short protein forms C131*.
Identifiers: ClinVar variation 962350 (VCV000962350.9), dbSNP rs2035749589, ClinGen allele CA413007247.